The following is an entry in ClinVar:

NM_000551.4(VHL):c.496G>A (p.Val166Ile)

Genes: VHL (von Hippel-Lindau tumor suppressor; plus strand), LOC107303340 (3p25 von Hippel-Lindau tumor suppressor, E3 ubiquitin protein ligase Alu-mediated recombination region; plus strand). Cytogenetic location: 3p25.3.
Variant type: single nucleotide variant.
Coding change: c.496G>A on transcript NM_000551.4 (MANE Select); coding-DNA position 496, G replaced by A.
Protein change: p.Val166Ile; replaces valine 166 with isoleucine.
Molecular consequence: missense variant. On other transcripts: 3 prime UTR variant (1).
Genome position (GRCh38, 1-based): chr3:10,149,819, G>A. VCF-style: chr3-10149819-G-A. GRCh37 (hg19) VCF-style: chr3-10191503-G-A.
Other names: c.*50G>A (NM_001354723.2); c.373G>A, p.Val125Ile (NM_198156.3); c.496G>A (NM_000551.3); short protein forms V166I, V125I.
Identifiers: ClinVar variation 1511818 (VCV001511818.9), dbSNP rs104893825, ClinGen allele CA351756173.

ClinVar aggregate classification (germline): Uncertain significance. Review status: criteria provided, multiple submitters, no conflicts (2 of 4 stars). 2 submissions from 2 submitters: Uncertain significance (2). Last evaluated 2025-02-13.

Conditions:
Von Hippel-Lindau syndrome (VHLS). Also called: VHL syndrome; von Hippel–Lindau syndrome; Von Hippel-Lindau. Identifiers: Orphanet 892, MedGen C0019562, MONDO:0008667, OMIM 193300. Disease mechanism: loss of function.
Chuvash polycythemia. Also called: POLYCYTHEMIA, VHL-DEPENDENT. Identifiers: Orphanet 238557, MedGen C1837915, MONDO:0009892, OMIM 263400.
Hereditary cancer-predisposing syndrome. Also called: Neoplastic Syndromes, Hereditary; Hereditary Cancer Syndrome; Tumor predisposition; Hereditary neoplastic syndrome. Identifiers: Orphanet 140162, MedGen C0027672, MeSH D009386, MONDO:0015356.

Submissions (2):

Ambry Genetics
Classification: Uncertain significance for Hereditary cancer-predisposing syndrome. Last evaluated: 2025-02-13. Review status: criteria provided, single submitter. Criteria: Ambry Variant Classification Scheme 2023. Collection method: clinical testing. Allele origin: germline.
Comment: The p.V166I variant (also known as c.496G>A), located in coding exon 3 of the VHL gene, results from a G to A substitution at nucleotide position 496. The valine at codon 166 is replaced by isoleucine, an amino acid with highly similar properties. This amino acid position is highly conserved in available vertebrate species. In addition, the in silico prediction for this alteration is inconclusive. Based on the available evidence, the clinical significance of this variant remains unclear.

Labcorp Genetics (formerly Invitae), Labcorp
Classification: Uncertain significance for Von Hippel-Lindau syndrome; Chuvash polycythemia. Last evaluated: 2022-08-08. Review status: criteria provided, single submitter. Criteria: Invitae Variant Classification Sherloc (09022015). Collection method: clinical testing. Allele origin: germline.
Comment: In summary, the available evidence is currently insufficient to determine the role of this variant in disease. Therefore, it has been classified as a Variant of Uncertain Significance. This variant disrupts the p.Val166 amino acid residue in VHL. Other variant(s) that disrupt this residue have been observed in individuals with VHL-related conditions (PMID: 8550742, 17661816, 19336503, 25720320; Invitae), which suggests that this may be a clinically significant amino acid residue. Advanced modeling of protein sequence and biophysical properties (such as structural, functional, and spatial information, amino acid conservation, physicochemical variation, residue mobility, and thermodynamic stability) performed at Invitae indicates that this missense variant is expected to disrupt VHL protein function. ClinVar contains an entry for this variant (Variation ID: 1511818). This variant has not been reported in the literature in individuals affected with VHL-related conditions. This variant is not present in population databases (gnomAD no frequency). This sequence change replaces valine, which is neutral and non-polar, with isoleucine, which is neutral and non-polar, at codon 166 of the VHL protein (p.Val166Ile).

Literature cited by the submitters: PubMed 8550742 (cited by Labcorp Genetics (formerly Invitae), Labcorp); PubMed 17661816 (cited by Labcorp Genetics (formerly Invitae), Labcorp); PubMed 19336503 (cited by Labcorp Genetics (formerly Invitae), Labcorp); PubMed 25720320 (cited by Labcorp Genetics (formerly Invitae), Labcorp).